The following is an entry in ClinVar:

NM_001430.5(EPAS1):c.2207T>C (p.Met736Thr)

Gene: EPAS1 (endothelial PAS domain protein 1; plus strand). Cytogenetic location: 2p21.
Variant type: single nucleotide variant.
Coding change: c.2207T>C on transcript NM_001430.5 (MANE Select); coding-DNA position 2207, T replaced by C.
Protein change: p.Met736Thr; replaces methionine 736 with threonine.
Molecular consequence: missense variant.
Genome position (GRCh38, 1-based): chr2:46,382,009, T>C. VCF-style: chr2-46382009-T-C. GRCh37 (hg19) VCF-style: chr2-46609148-T-C.
Other names: short protein forms M736T.
Identifiers: ClinVar variation 3275682 (VCV003275682.1).
Genomic context (GRCh38, chr2:46,382,009, plus strand): 5'-TTTCCATCTGCCCTTCTTACTCCCAGGGGGACCCACCTGGTGGCAGCACCTCACATTTGA[T>C]GTGGAAACGGATGAAGAACCTCAGGGGTGGGAGCTGCCCTTTGATGCCGGACAAGCCACT-3'
Protein context (NP_001421.2, residues 726-746): DPPGGSTSHL[Met736Thr]WKRMKNLRGG

ClinVar aggregate classification (germline): Uncertain significance (1 of 4 stars; one submission).

Conditions:
Inborn genetic diseases. Identifiers: MedGen C0950123, MeSH D030342.

Submission:

Ambry Genetics
Classification: Uncertain significance for Inborn genetic diseases. Last evaluated: 2024-03-17. Review status: criteria provided, single submitter. Criteria: Ambry Variant Classification Scheme 2023. Collection method: clinical testing. Allele origin: germline.
Comment: The p.M736T variant (also known as c.2207T>C), located in coding exon 14 of the EPAS1 gene, results from a T to C substitution at nucleotide position 2207. The methionine at codon 736 is replaced by threonine, an amino acid with similar properties. This amino acid position is conserved. In addition, the in silico prediction for this alteration is inconclusive. Based on the available evidence, the clinical significance of this alteration remains unclear.